The following is an entry in ClinVar:

NM_005120.3(MED12):c.1300G>A (p.Ala434Thr)

Genes: MED12 (mediator complex subunit 12; plus strand), LOC126863275 (BRD4-independent group 4 enhancer GRCh37_chrX:70342400-70343599; plus strand). Cytogenetic location: Xq13.1.
Variant type: single nucleotide variant.
Coding change: c.1300G>A on transcript NM_005120.3 (MANE Select); coding-DNA position 1300, G replaced by A.
Protein change: p.Ala434Thr; replaces alanine 434 with threonine.
Molecular consequence: missense variant.
Genome position (GRCh38, 1-based): chrX:71,122,559, G>A. VCF-style: chrX-71122559-G-A. GRCh37 (hg19) VCF-style: chrX-70342409-G-A.
Other names: short protein forms A434T.
Identifiers: ClinVar variation 4882443 (VCV004882443.2).

ClinVar aggregate classification (germline): Uncertain significance (1 of 4 stars; one submission).

Submission:

Dasa
Classification: Uncertain significance. Last evaluated: 2024-10-26. Review status: criteria provided, single submitter. Criteria: DASA Assertion Criteria. Collection method: clinical testing. Allele origin: germline.
Comment: NM_005120.3(MED12):c.1300G>A (p.Ala434Thr) is a missense variant that results in the substitution of alanine with threonine. This variant is absent from population databases. Computational prediction algorithms are consistent with a benign effect. The currently available literature and clinical evidence are not sufficient to establish a definitive association between this variant and the reported condition. Therefore, this variant is classified as a variant of uncertain significance.